The following is an entry in ClinVar:

NM_032119.4(ADGRV1):c.9749-2del

Gene: ADGRV1 (adhesion G protein-coupled receptor V1; plus strand). Cytogenetic location: 5q14.3.
Variant type: Deletion.
Coding change: c.9749-2del on transcript NM_032119.4 (MANE Select); the canonical splice acceptor site of the intron before coding-DNA position 9749, one base deleted (A; older notation c.9749-2delA).
Molecular consequence: splice acceptor variant.
Genome position (GRCh38, 1-based): chr5:90,724,830, A deleted. VCF-style (leftmost placement, unchanged base first): chr5-90724829-CA-C. GRCh37 (hg19) VCF-style: chr5-90020646-CA-C.
Identifiers: ClinVar variation 1098772 (VCV001098772.8), dbSNP rs1751549898, ClinGen allele CA1078675744.

ClinVar aggregate classification (germline): Pathogenic/Likely pathogenic. Review status: criteria provided, multiple submitters, no conflicts (2 of 4 stars). 3 submissions from 3 submitters: Pathogenic (1); Likely pathogenic (2). Last evaluated 2025-12-17.

Conditions:
Febrile seizures, familial, 4 (FEB4). Also called: CONVULSIONS, FAMILIAL FEBRILE, 4. Identifiers: MedGen C1858493, MONDO:0011443, OMIM 604352.
Usher syndrome. Also called: Usher Syndromes; Usher's syndrome. Identifiers: Orphanet 886, MedGen CN469326, MeSH D052245, MONDO:0019501. Disease mechanism: loss of function.

Allele frequency attached by ClinVar (database versions not stated): gnomAD 0.00001; gnomAD exomes below 0.00001; TOPMed below 0.00001.

Submissions (3):

Labcorp Genetics (formerly Invitae), Labcorp
Classification: Likely pathogenic. Last evaluated: 2025-12-17. Review status: criteria provided, single submitter. Criteria: Invitae Variant Classification Sherloc (09022015). Collection method: clinical testing. Allele origin: germline.
Comment: This sequence change affects a splice site in intron 45 of the ADGRV1 gene. It is expected to disrupt RNA splicing. Variants that disrupt the donor or acceptor splice site typically lead to a loss of protein function (PMID: 16199547), and loss-of-function variants in ADGRV1 are known to be pathogenic (PMID: 19357117, 22135276, 22147658, 26226137, 30718709, 31047384, 32467589). This variant is not present in population databases (gnomAD no frequency). Disruption of this splice site has been observed in individual(s) with inherited retinal dystrophy (PMID: 33749171, 38219857). ClinVar contains an entry for this variant (Variation ID: 1098772). Algorithms developed to predict the effect of sequence changes on RNA splicing suggest that this variant may disrupt the consensus splice site. In summary, the currently available evidence indicates that the variant is pathogenic, but additional data are needed to prove that conclusively. Therefore, this variant has been classified as Likely Pathogenic.

Mendelics
Classification: Pathogenic for Febrile seizures, familial, 4. Last evaluated: 2022-05-04. Review status: criteria provided, single submitter. Criteria: Mendelics Assertion Criteria 2019. Collection method: clinical testing. Allele origin: germline.

Women's Health and Genetics/Laboratory Corporation of America, LabCorp
Classification: Likely pathogenic for Usher syndrome. Last evaluated: 2021-05-17. Review status: criteria provided, single submitter. Criteria: LabCorp Variant Classification Summary - May 2015. Collection method: clinical testing. Allele origin: germline.
Comment: Variant summary: ADGRV1 c.9749-2delA is located in a canonical splice-site and is predicted to affect mRNA splicing resulting in a significantly altered protein due to either exon skipping, shortening, or inclusion of intronic material. Several computational tools predict a significant impact on normal splicing: Three predict that the variant abolishes a 3-prime acceptor site. However, these predictions have yet to be confirmed by functional studies. The variant was absent in 249004 control chromosomes. To our knowledge, no occurrence of c.9749-2delA in individuals affected with Usher Syndrome and no experimental evidence demonstrating its impact on protein function have been reported. No clinical diagnostic laboratories have submitted clinical-significance assessments for this variant to ClinVar after 2014. Based on the evidence outlined above, the variant was classified as likely pathogenic.

Literature cited by the submitters: PubMed 16199547 (cited by Labcorp Genetics (formerly Invitae), Labcorp); PubMed 19357117 (cited by Labcorp Genetics (formerly Invitae), Labcorp); PubMed 22135276 (cited by Labcorp Genetics (formerly Invitae), Labcorp); PubMed 22147658 (cited by Labcorp Genetics (formerly Invitae), Labcorp); PubMed 26226137 (cited by Labcorp Genetics (formerly Invitae), Labcorp); PubMed 30718709 (cited by Labcorp Genetics (formerly Invitae), Labcorp); PubMed 31047384 (cited by Labcorp Genetics (formerly Invitae), Labcorp); PubMed 32467589 (cited by Labcorp Genetics (formerly Invitae), Labcorp); PubMed 33749171 (cited by Labcorp Genetics (formerly Invitae), Labcorp); PubMed 38219857 (cited by Labcorp Genetics (formerly Invitae), Labcorp).